The following is an entry in ClinVar:

NM_018417.6(ADCY10):c.3860T>G (p.Leu1287Arg)

Gene: ADCY10 (adenylate cyclase 10; minus strand). Cytogenetic location: 1q24.2.
Variant type: single nucleotide variant.
Coding change: c.3860T>G on transcript NM_018417.6 (MANE Select); coding-DNA position 3860, T replaced by G.
Protein change: p.Leu1287Arg; replaces leucine 1287 with arginine.
Molecular consequence: missense variant.
Genome position (GRCh38, 1-based): chr1:167,824,746, A>C on the plus strand (T>G on the coding strand, the complement: ADCY10 is on the minus strand). VCF-style: chr1-167824746-A-C. GRCh37 (hg19) VCF-style: chr1-167793984-A-C.
Other names: c.3401T>G, p.Leu1134Arg (NM_001167749.3); c.3584T>G, p.Leu1195Arg (NM_001297772.2); short protein forms L1287R, L1195R, L1134R.
Identifiers: ClinVar variation 2117143 (VCV002117143.4), dbSNP rs2524937155, ClinGen allele CA343099358.
Genomic context (GRCh38, chr1:167,824,746, plus strand): 5'-AGCTTGTTGAAGACCAGTGTCTCAGCCACGTATGCCACGATTTCAATGCCCTCGCCTTTC[A>C]GGGGGAGGTTGAAGATGTGCTCCATGGCCATGACTTCATATTTGAACCACACACCTTTGT-3'
Protein context (NP_060887.2, residues 1277-1297): MAMEHIFNLP[Leu1287Arg]KGEGIEIVAY

ClinVar aggregate classification (germline): Uncertain significance (1 of 4 stars; one submission).

Allele frequency attached by ClinVar (database versions not stated): gnomAD exomes below 0.00001.
gnomAD v4.1: 2 of 1,614,200 alleles (0.00012%); highest among the groups gnomAD compares: Non-Finnish European, 0.00017%; no homozygotes.

Submission:

Labcorp Genetics (formerly Invitae), Labcorp
Classification: Uncertain significance. Last evaluated: 2023-12-21. Review status: criteria provided, single submitter. Criteria: Invitae Variant Classification Sherloc (09022015). Collection method: clinical testing. Allele origin: germline.
Comment: This sequence change replaces leucine, which is neutral and non-polar, with arginine, which is basic and polar, at codon 1287 of the ADCY10 protein (p.Leu1287Arg). This variant is not present in population databases (gnomAD no frequency). This variant has not been reported in the literature in individuals affected with ADCY10-related conditions. ClinVar contains an entry for this variant (Variation ID: 2117143). An algorithm developed to predict the effect of missense changes on protein structure and function (PolyPhen-2) suggests that this variant is likely to be disruptive. In summary, the available evidence is currently insufficient to determine the role of this variant in disease. Therefore, it has been classified as a Variant of Uncertain Significance.